The following is an entry in ClinVar:

NM_025236.4(RNF39):c.900C>T (p.Asp300=)

Gene: RNF39 (ring finger protein 39; minus strand). Cytogenetic location: 6p22.1.
Variant type: single nucleotide variant.
Coding change: c.900C>T on transcript NM_025236.4 (MANE Select); coding-DNA position 900, C replaced by T.
Protein change: p.Asp300=; no amino-acid change (aspartic acid 300 retained).
Molecular consequence: synonymous variant. On other transcripts: intron variant (1).
Genome position (GRCh38, 1-based): chr6:30,071,270, G>A on the plus strand (C>T on the coding strand, the complement: RNF39 is on the minus strand). VCF-style: chr6-30071270-G-A. GRCh37 (hg19) VCF-style: chr6-30039047-G-A.
Other names: c.772-70C>T (NM_170769.3).
Identifiers: ClinVar variation 2656331 (VCV002656331.24), dbSNP rs772730712, ClinGen allele CA3694347.

ClinVar aggregate classification (germline): Likely benign (1 of 4 stars; one submission).

Allele frequency attached by ClinVar (database versions not stated): gnomAD 0.00001; ExAC 0.00002; TOPMed 0.00002.

Submission:

CeGaT Center for Human Genetics Tuebingen
Classification: Likely benign. Last evaluated: 2022-07-01. Review status: criteria provided, single submitter. Criteria: CeGaT Center For Human Genetics Tuebingen Variant Classification Criteria Version 2. Collection method: clinical testing. Allele origin: germline. Affected: yes. Observed: 1 variant allele.
Comment: RNF39: BP4, BP7